The following is an entry in ClinVar:

ClinVar aggregate classification (germline): Uncertain significance (1 of 4 stars; one submission).

Allele frequency attached by ClinVar (database versions not stated): 1000 Genomes Project 0.00020; 1000 Genomes Project 30x 0.00031.
gnomAD v4.1: 29 of 1,612,918 alleles (0.0018%); highest among the groups gnomAD compares: East Asian, 0.02%; no homozygotes.

Submission:

Labcorp Genetics (formerly Invitae), Labcorp
Classification: Uncertain significance. Last evaluated: 2025-10-12. Review status: criteria provided, single submitter. Criteria: Invitae Variant Classification Sherloc (09022015). Collection method: clinical testing. Allele origin: germline.
Comment: This sequence change replaces arginine, which is basic and polar, with glutamine, which is neutral and polar, at codon 70 of the DYM protein (p.Arg70Gln). This variant is present in population databases (rs202085847, gnomAD 0.02%). This variant has not been reported in the literature in individuals affected with DYM-related conditions. ClinVar contains an entry for this variant (Variation ID: 1922594). Invitae Evidence Modeling of protein sequence and biophysical properties (such as structural, functional, and spatial information, amino acid conservation, physicochemical variation, residue mobility, and thermodynamic stability) indicates that this missense variant is not expected to disrupt DYM protein function with a negative predictive value of 80%. In summary, the available evidence is currently insufficient to determine the role of this variant in disease. Therefore, it has been classified as a Variant of Uncertain Significance.

NM_001353214.3(DYM):c.209G>A (p.Arg70Gln)

Gene: DYM (dymeclin; minus strand). Cytogenetic location: 18q21.1.
Variant type: single nucleotide variant.
Coding change: c.209G>A on transcript NM_001353214.3 (MANE Select); coding-DNA position 209, G replaced by A.
Protein change: p.Arg70Gln; replaces arginine 70 with glutamine.
Molecular consequence: missense variant. On other transcripts: intron variant (5).
Genome position (GRCh38, 1-based): chr18:49,379,743, C>T on the plus strand (G>A on the coding strand, the complement: DYM is on the minus strand). VCF-style: chr18-49379743-C-T. GRCh37 (hg19) VCF-style: chr18-46906113-C-T.
Other names: c.209G>A, p.Arg70Gln (NM_001353210.3, NM_001353213.3, NM_001353215.3 and 12 more transcripts); c.206G>A, p.Arg69Gln (NM_001353211.3, NM_001353212.3, NM_001374429.1 and 1 more transcripts); c.193+11850G>A (NM_001374443.1, NM_001374444.1, NM_001374442.1 and 2 more transcripts); short protein forms R69Q, R70Q.
Identifiers: ClinVar variation 1922594 (VCV001922594.4), dbSNP rs202085847, ClinGen allele CA8958458.